The following is an entry in ClinVar:

NM_003659.4(AGPS):c.1855+6C>A

Gene: AGPS (alkylglycerone phosphate synthase; plus strand). Cytogenetic location: 2q31.2.
Variant type: single nucleotide variant.
Coding change: c.1855+6C>A on transcript NM_003659.4 (MANE Select); 6 bases into the intron after coding-DNA position 1855, C replaced by A.
Molecular consequence: intron variant.
Genome position (GRCh38, 1-based): chr2:177,523,811, C>A. VCF-style: chr2-177523811-C-A. GRCh37 (hg19) VCF-style: chr2-178388539-C-A.
Identifiers: ClinVar variation 332524 (VCV000332524.9), dbSNP rs772552134, ClinGen allele CA1980446.

ClinVar aggregate classification (germline): Conflicting classifications of pathogenicity. Review status: criteria provided, conflicting classifications (1 of 4 stars). 4 submissions from 4 submitters: Uncertain significance (3); Likely benign (1). Last evaluated 2025-07-09.

Conditions:
AGPS-related disorder. Also called: AGPS-related condition.
Rhizomelic chondrodysplasia punctata type 3 (RCDP3). Also called: Alkylglycerone Phosphate Synthase (AGPS) deficiency; ALKYLDIHYDROXYACETONEPHOSPHATE SYNTHASE DEFICIENCY. Identifiers: Orphanet 177, Orphanet 309803, MedGen C1838612, MONDO:0010823, OMIM 600121. Disease mechanism: loss of function.

Allele frequency attached by ClinVar (database versions not stated): gnomAD exomes 0.00001 and 0.00002; ExAC 0.00002; TOPMed 0.00002; gnomAD 0.00003.
gnomAD v4.1: 13 of 1,610,174 alleles (0.00081%); highest among the groups gnomAD compares: African/African-American, 0.0027%; no homozygotes.

Submissions (4):

PreventionGenetics, part of Exact Sciences
Classification: Likely benign for AGPS-related condition. Last evaluated: 2025-07-09. Review status: criteria provided, single submitter. Criteria: ACMG Guidelines, 2015. Collection method: clinical testing. Allele origin: germline.
Comment: This variant is classified as likely benign based on ACMG/AMP sequence variant interpretation guidelines (Richards et al. 2015 PMID: 25741868, with internal and published modifications).

Labcorp Genetics (formerly Invitae), Labcorp
Classification: Uncertain significance. Last evaluated: 2024-07-03. Review status: criteria provided, single submitter. Criteria: Invitae Variant Classification Sherloc (09022015). Collection method: clinical testing. Allele origin: germline.
Comment: This sequence change falls in intron 19 of the AGPS gene. It does not directly change the encoded amino acid sequence of the AGPS protein. It affects a nucleotide within the consensus splice site. This variant is present in population databases (rs772552134, gnomAD 0.008%). This variant has not been reported in the literature in individuals affected with AGPS-related conditions. ClinVar contains an entry for this variant (Variation ID: 332524). Variants that disrupt the consensus splice site are a relatively common cause of aberrant splicing (PMID: 17576681, 9536098). Algorithms developed to predict the effect of sequence changes on RNA splicing suggest that this variant is not likely to affect RNA splicing. In summary, the available evidence is currently insufficient to determine the role of this variant in disease. Therefore, it has been classified as a Variant of Uncertain Significance.

Women's Health and Genetics/Laboratory Corporation of America, LabCorp
Classification: Uncertain significance. Last evaluated: 2023-02-11. Review status: criteria provided, single submitter. Criteria: LabCorp Variant Classification Summary - May 2015. Collection method: clinical testing. Allele origin: germline.

Illumina Laboratory Services, Illumina
Classification: Uncertain significance for Rhizomelic chondrodysplasia punctata type 3. Last evaluated: 2018-01-13. Review status: criteria provided, single submitter. Criteria: ICSL Variant Classification Criteria 13 December 2019. Collection method: clinical testing. Allele origin: germline.

Literature cited by the submitters: PubMed 17576681 (cited by Labcorp Genetics (formerly Invitae), Labcorp); PubMed 9536098 (cited by Labcorp Genetics (formerly Invitae), Labcorp).